The following is an entry in ClinVar:

NM_000038.6(APC):c.730-168G>C

Gene: APC (APC regulator of WNT signaling pathway; plus strand). Cytogenetic location: 5q22.2.
Variant type: single nucleotide variant.
Coding change: c.730-168G>C on transcript NM_000038.6 (MANE Select); 168 bases into the intron before coding-DNA position 730, G replaced by C.
Molecular consequence: intron variant.
Genome position (GRCh38, 1-based): chr5:112,801,111, G>C. VCF-style: chr5-112801111-G-C. GRCh37 (hg19) VCF-style: chr5-112136808-G-C.
Other names: c.730-168G>C (NM_001354895.2, NM_001127510.3, NM_001354896.2 and 1 more transcripts); c.760-168G>C (NM_001354897.2, NM_001354902.2); c.676-168G>C (NM_001127511.3); c.655-168G>C (NM_001354898.2, NM_001354904.2); c.-306-168G>C (NM_001354906.2); c.646-168G>C (NM_001354899.2); c.553-168G>C (NM_001354900.2, NM_001354901.2, NM_001354905.2).
Identifiers: ClinVar variation 82510 (VCV000082510.2), dbSNP rs77260248, ClinGen allele CA013378.
Genomic context (GRCh38, chr5:112,801,111, plus strand): 5'-TGTCTCGTGCAGCTCTAATGCTCAAGGGACACACTTCACTTTCCCCTTACCGAGATAGTC[G>C]ACCGCCAATCGTACTGGAGGTTATGAAGTGTAATACACAGTTCCATGCCTTTATCAGTCT-3'

ClinVar aggregate classification (germline): other (0 of 4 stars; one submission).

Conditions:
Familial colorectal cancer. Identifiers: MedGen CN280943, MONDO:0023113. Disease mechanism: loss of function.

Submission:

Systems Biology Platform Zhejiang California International NanoSystems Institute
Classification: other for Familial colorectal cancer. Review status: no assertion criteria provided. Collection method: not provided. Allele origin: unknown.
ClinVar note: Converted during submission from cancer to other.